The following is an entry in ClinVar:

ClinVar aggregate classification (germline): Conflicting classifications of pathogenicity. Review status: criteria provided, conflicting classifications (1 of 4 stars). 3 submissions from 3 submitters: Pathogenic (1); Likely pathogenic (1); Uncertain significance (1). Last evaluated 2020-11-14.

Conditions:
Early-infantile DEE. Also called: Early infantile epileptic encephalopathy with suppression bursts; Early infantile epileptic encephalopathy; Ohtahara syndrome. Identifiers: Orphanet 1934, MedGen C0393706, MONDO:0800491.
Generalized epilepsy with febrile seizures plus, type 2 (GEFSP2). Also called: GEFS+, TYPE 2. Identifiers: Orphanet 36387, MedGen C1858673, MONDO:0011461, OMIM 604403.

Submissions (3):

Labcorp Genetics (formerly Invitae), Labcorp
Classification: Pathogenic for Early-infantile DEE. Last evaluated: 2020-11-14. Review status: criteria provided, single submitter. Criteria: Invitae Variant Classification Sherloc (09022015). Collection method: clinical testing. Allele origin: germline.
Comment: This sequence change replaces alanine with valine at codon 1510 of the SCN1A protein (p.Ala1510Val). The alanine residue is highly conserved and there is a small physicochemical difference between alanine and valine. This variant is not present in population databases (ExAC no frequency). This variant has been observed in individual(s) with Dravet syndrome (PMID: 30619928). In at least one individual the variant was observed to be de novo. ClinVar contains an entry for this variant (Variation ID: 425224). Advanced modeling of protein sequence and biophysical properties (such as structural, functional, and spatial information, amino acid conservation, physicochemical variation, residue mobility, and thermodynamic stability) performed at Invitae indicates that this missense variant is expected to disrupt SCN1A protein function. For these reasons, this variant has been classified as Pathogenic.

Baylor Genetics
Classification: Likely pathogenic for Generalized epilepsy with febrile seizures plus, type 2. Last evaluated: 2020-01-13. Review status: criteria provided, single submitter. Criteria: ACMG Guidelines, 2015. Collection method: clinical testing. Allele origin: de novo. Affected: yes.
Comment: This variant was determined to be likely pathogenic according to ACMG Guidelines, 2015 [PMID:25741868].

CeGaT Center for Human Genetics Tuebingen
Classification: Uncertain significance. Last evaluated: 2016-09-01. Review status: criteria provided, single submitter. Criteria: CeGaT Center For Human Genetics Tuebingen Variant Classification Criteria Version 2. Collection method: clinical testing. Allele origin: germline. Affected: yes. Observed: 1 variant allele.

Literature cited by the submitters: PubMed 30619928 (cited by Labcorp Genetics (formerly Invitae), Labcorp).

NM_001165963.4(SCN1A):c.4529C>T (p.Ala1510Val)

Genes: SCN1A (sodium voltage-gated channel alpha subunit 1; minus strand), LOC102724058 (uncharacterized LOC102724058; plus strand). Cytogenetic location: 2q24.3.
Variant type: single nucleotide variant.
Coding change: c.4529C>T on transcript NM_001165963.4 (MANE Select); coding-DNA position 4529, C replaced by T.
Protein change: p.Ala1510Val; replaces alanine 1510 with valine.
Molecular consequence: missense variant. On other transcripts: non-coding transcript variant (1).
Genome position (GRCh38, 1-based): chr2:165,996,065, G>A on the plus strand (C>T on the coding strand, the complement: SCN1A is on the minus strand). VCF-style: chr2-165996065-G-A. GRCh37 (hg19) VCF-style: chr2-166852575-G-A.
Other names: c.4445C>T, p.Ala1482Val (NM_001165964.3, NM_001353957.2, NM_001353958.2); c.4529C>T, p.Ala1510Val (NM_001202435.3, NM_001353948.2); c.4496C>T, p.Ala1499Val (NM_001353949.2, NM_001353950.2, NM_001353951.2 and 2 more transcripts); c.4493C>T, p.Ala1498Val (NM_001353954.2, NM_001353955.2); c.4442C>T, p.Ala1481Val (NM_001353960.2); c.2087C>T, p.Ala696Val (NM_001353961.2); short protein forms A1499V, A1498V, A1481V, A1482V, A1510V, A696V.
Identifiers: ClinVar variation 425224 (VCV000425224.52), dbSNP rs796053019, ClinGen allele CA16621765.